The following is an entry in ClinVar:

NM_017570.5(OPLAH):c.3861C>A (p.Ala1287=)

Gene: OPLAH (5-oxoprolinase, ATP-hydrolysing; minus strand). Cytogenetic location: 8q24.3.
Variant type: single nucleotide variant.
Coding change: c.3861C>A on transcript NM_017570.5 (MANE Select); coding-DNA position 3861, C replaced by A.
Protein change: p.Ala1287=; no amino-acid change (alanine 1287 retained).
Molecular consequence: synonymous variant.
Genome position (GRCh38, 1-based): chr8:144,051,332, G>T on the plus strand (C>A on the coding strand, the complement: OPLAH is on the minus strand). VCF-style: chr8-144051332-G-T. GRCh37 (hg19) VCF-style: chr8-145106233-G-T.
Identifiers: ClinVar variation 2658964 (VCV002658964.24), dbSNP rs1554757585, ClinGen allele CA463433644.

ClinVar aggregate classification (germline): Likely benign (1 of 4 stars; one submission).

Submission:

CeGaT Center for Human Genetics Tuebingen
Classification: Likely benign. Last evaluated: 2022-12-01. Review status: criteria provided, single submitter. Criteria: CeGaT Center For Human Genetics Tuebingen Variant Classification Criteria Version 2. Collection method: clinical testing. Allele origin: germline. Affected: yes. Observed: 1 variant allele.
Comment: OPLAH: PM2:Supporting, BP4, BP7